The following is an entry in ClinVar:

ClinVar aggregate classification (germline): Uncertain significance (1 of 4 stars; one submission).

Submission:

Labcorp Genetics (formerly Invitae), Labcorp
Classification: Uncertain significance. Last evaluated: 2025-10-22. Review status: criteria provided, single submitter. Criteria: Invitae Variant Classification Sherloc (09022015). Collection method: clinical testing. Allele origin: germline.
Comment: This sequence change replaces isoleucine, which is neutral and non-polar, with serine, which is neutral and polar, at codon 664 of the PDE6B protein (p.Ile664Ser). This variant is not present in population databases (gnomAD no frequency). This missense change has been observed in individual(s) with retinitis pigmentosa (internal data). ClinVar contains an entry for this variant (Variation ID: 1485051). Invitae Evidence Modeling of protein sequence and biophysical properties (such as structural, functional, and spatial information, amino acid conservation, physicochemical variation, residue mobility, and thermodynamic stability) indicates that this missense variant is expected to disrupt PDE6B protein function with a positive predictive value of 95%. In summary, the available evidence is currently insufficient to determine the role of this variant in disease. Therefore, it has been classified as a Variant of Uncertain Significance.

NM_000283.4(PDE6B):c.1991T>G (p.Ile664Ser)

Gene: PDE6B (phosphodiesterase 6B; plus strand). Cytogenetic location: 4p16.3.
Variant type: single nucleotide variant.
Coding change: c.1991T>G on transcript NM_000283.4 (MANE Select); coding-DNA position 1991, T replaced by G.
Protein change: p.Ile664Ser; replaces isoleucine 664 with serine.
Molecular consequence: missense variant.
Genome position (GRCh38, 1-based): chr4:663,840, T>G. VCF-style: chr4-663840-T-G. GRCh37 (hg19) VCF-style: chr4-657629-T-G.
Other names: c.1991T>G, p.Ile664Ser (NM_001145291.2); c.1154T>G, p.Ile385Ser (NM_001145292.2, NM_001350154.3, NM_001379246.1 and 1 more transcripts); c.836T>G, p.Ile279Ser (NM_001350155.3); short protein forms I664S, I385S, I279S.
Identifiers: ClinVar variation 1485051 (VCV001485051.6), dbSNP rs1737440165, ClinGen allele CA355918505.